The following is an entry in ClinVar:

NM_002161.6(IARS1):c.2625T>C (p.Asn875=)

Gene: IARS1 (isoleucyl-tRNA synthetase 1; minus strand). Cytogenetic location: 9q22.31.
Variant type: single nucleotide variant.
Coding change: c.2625T>C on transcript NM_002161.6 (MANE Select); coding-DNA position 2625, T replaced by C.
Protein change: p.Asn875=; no amino-acid change (asparagine 875 retained).
Molecular consequence: synonymous variant. On other transcripts: non-coding transcript variant (1).
Genome position (GRCh38, 1-based): chr9:92,247,543, A>G on the plus strand (T>C on the coding strand, the complement: IARS1 is on the minus strand). VCF-style: chr9-92247543-A-G. GRCh37 (hg19) VCF-style: chr9-95009825-A-G.
Other names: c.2550T>C, p.Asn850= (NM_001374299.1, NM_001374300.1, NM_001378584.1); c.2541T>C, p.Asn847= (NM_001374301.1); c.2688T>C, p.Asn896= (NM_001378569.1); c.2646T>C, p.Asn882= (NM_001378571.1); c.2625T>C, p.Asn875= (NM_001378572.1, NM_001378573.1, NM_001378574.1 and 9 more transcripts); c.2529T>C, p.Asn843= (NM_001378582.1); c.2502T>C, p.Asn834= (NM_001378583.1); c.2625T>C (NM_002161.5).
Identifiers: ClinVar variation 2184982 (VCV002184982.6), dbSNP rs777991533, ClinGen allele CA5122135.

ClinVar aggregate classification (germline): Likely benign. Review status: criteria provided, single submitter (1 of 4 stars). 2 submissions from 2 submitters: Likely benign (1). 1 of the submissions does not count toward it. Last evaluated 2025-06-30.

Conditions:
IARS1-related disorder. Also called: IARS1-related condition.

Allele frequency attached by ClinVar (database versions not stated): gnomAD 0.00003; ExAC 0.00004; gnomAD exomes 0.00005; TOPMed 0.00007.
gnomAD v4.1: 75 of 1,613,036 alleles (0.0046%); highest among the groups gnomAD compares: Middle Eastern, 0.033%; no homozygotes.

Submissions (2):

Labcorp Genetics (formerly Invitae), Labcorp
Classification: Likely benign. Last evaluated: 2025-06-30. Review status: criteria provided, single submitter. Criteria: Invitae Variant Classification Sherloc (09022015). Collection method: clinical testing. Allele origin: germline.

PreventionGenetics, part of Exact Sciences
Classification: Likely benign for IARS1-related condition. Last evaluated: 2019-03-01. Review status: no assertion criteria provided. Collection method: clinical testing. Allele origin: germline. Not counted in ClinVar's aggregate classification.
Comment: This variant is classified as likely benign based on ACMG/AMP sequence variant interpretation guidelines (Richards et al. 2015 PMID: 25741868, with internal and published modifications).